The following is an entry in ClinVar:

ClinVar aggregate classification (germline): Likely benign (1 of 4 stars; one submission).

Submission:

CeGaT Center for Human Genetics Tuebingen
Classification: Likely benign. Last evaluated: 2024-03-01. Review status: criteria provided, single submitter. Criteria: CeGaT Center For Human Genetics Tuebingen Variant Classification Criteria Version 2. Collection method: clinical testing. Allele origin: germline. Affected: yes. Observed: 1 variant allele.
Comment: HYDIN: PM2:Supporting, BP4, BP7

NM_001270974.2(HYDIN):c.10869C>G (p.Ala3623=)

Gene: HYDIN (HYDIN axonemal central pair apparatus protein; minus strand). Cytogenetic location: 16q22.2.
Variant type: single nucleotide variant.
Coding change: c.10869C>G on transcript NM_001270974.2 (MANE Select); coding-DNA position 10869, C replaced by G.
Protein change: p.Ala3623=; no amino-acid change (alanine 3623 retained).
Molecular consequence: synonymous variant.
Genome position (GRCh38, 1-based): chr16:70,874,384, G>C on the plus strand (C>G on the coding strand, the complement: HYDIN is on the minus strand). VCF-style: chr16-70874384-G-C. GRCh37 (hg19) VCF-style: chr16-70908287-G-C.
Identifiers: ClinVar variation 3234362 (VCV003234362.20), dbSNP rs769477815, ClinGen allele CA496405222.